The following is an entry in ClinVar:

ClinVar aggregate classification (germline): Uncertain significance (1 of 4 stars; one submission).

Submission:

Labcorp Genetics (formerly Invitae), Labcorp
Classification: Uncertain significance. Last evaluated: 2022-08-03. Review status: criteria provided, single submitter. Criteria: Invitae Variant Classification Sherloc (09022015). Collection method: clinical testing. Allele origin: germline.
Comment: This sequence change replaces threonine, which is neutral and polar, with alanine, which is neutral and non-polar, at codon 1232 of the MAST1 protein (p.Thr1232Ala). This variant is not present in population databases (gnomAD no frequency). This variant has not been reported in the literature in individuals affected with MAST1-related conditions. Algorithms developed to predict the effect of missense changes on protein structure and function (SIFT, PolyPhen-2, Align-GVGD) all suggest that this variant is likely to be tolerated. In summary, the available evidence is currently insufficient to determine the role of this variant in disease. Therefore, it has been classified as a Variant of Uncertain Significance.

NM_014975.3(MAST1):c.3694A>G (p.Thr1232Ala)

Gene: MAST1 (microtubule associated serine/threonine kinase 1; plus strand). Cytogenetic location: 19p13.13.
Variant type: single nucleotide variant.
Coding change: c.3694A>G on transcript NM_014975.3 (MANE Select); coding-DNA position 3694, A replaced by G.
Protein change: p.Thr1232Ala; replaces threonine 1232 with alanine.
Molecular consequence: missense variant.
Genome position (GRCh38, 1-based): chr19:12,873,851, A>G. VCF-style: chr19-12873851-A-G. GRCh37 (hg19) VCF-style: chr19-12984665-A-G.
Other names: short protein forms T1232A.
Identifiers: ClinVar variation 2021370 (VCV002021370.4), dbSNP rs2512544946, ClinGen allele CA404288845.